The following is an entry in ClinVar:

ClinVar aggregate classification (germline): Pathogenic. Review status: criteria provided, multiple submitters, no conflicts (2 of 4 stars). 9 submissions from 9 submitters: Pathogenic (8). 1 of the submissions does not count toward it. Last evaluated 2026-02-11.

Conditions:
COL4A4-related disorder.
Alport syndrome. Also called: Hemorrhagic familial nephritis; Hemorrhagic hereditary nephritis; Congenital hereditary hematuria. Identifiers: Orphanet 63, MedGen C1567741, MONDO:0018965.
Hematuria, benign familial, 1 (BFH1). Also called: THIN MEMBRANE NEPHROPATHY. Identifiers: MedGen CN376803, MONDO:0007709, OMIM 141200.
Autosomal recessive Alport syndrome (ATS2). Also called: COL4A4 Alport Syndrome and Thin Basement Membrane Nephropathy; ALPORT SYNDROME 2, AUTOSOMAL RECESSIVE; COL4A3-Related Nephropathy; Alport syndrome type 2. Identifiers: Orphanet 63, Orphanet 88919, MedGen C4746745, MONDO:0008762, OMIM 203780.
Inborn genetic diseases. Identifiers: MedGen C0950123, MeSH D030342.

Allele frequency attached by ClinVar (database versions not stated): gnomAD exomes below 0.00001; TOPMed 0.00001.
gnomAD v4.1: 2 of 1,614,090 alleles (0.00012%); highest among the groups gnomAD compares: East Asian, 0.0022%; no homozygotes.

Submissions (9):

PreventionGenetics, part of Exact Sciences
Classification: Pathogenic for COL4A4-related condition. Last evaluated: 2026-02-11. Review status: criteria provided, single submitter. Criteria: ACMG Guidelines, 2015. Collection method: clinical testing. Allele origin: germline.
Comment: The COL4A4 c.3967C>T variant is predicted to result in premature protein termination (p.Gln1323*). This variant has been reported in individuals with Alport syndrome (see for example, Table S3. Lu et al. 2022. PubMed ID: 35064937). This variant has not been reported in a large population database (gnomAD), indicating this variant is rare. Nonsense variants in COL4A4 are expected to be pathogenic. This variant is interpreted as pathogenic.

Victorian Clinical Genetics Services, Murdoch Childrens Research Institute
Classification: Pathogenic for Alport syndrome. Last evaluated: 2025-12-11. Review status: criteria provided, single submitter. Criteria: ACMG Guidelines, 2015. Collection method: clinical testing. Allele origin: germline. Affected: yes.
Comment: This variant is classified as Pathogenic. Evidence in support of pathogenic classification: Variant is predicted to cause nonsense-mediated decay (NMD) and loss of protein (premature termination codon is located at least 54 nucleotides upstream of the final exon-exon junction); Variant is absent from gnomAD (both v2 and v3); This variant has limited previous evidence of pathogenicity in unrelated individuals. This variant has been classified as pathogenic and likely pathogenic by clinical laboratories (ClinVar). It has also been reported in at least one individual affected with autosomal recessive Alport syndrome (PMID: 25596306); Other NMD-predicted variants comparable to the one identified in this case have very strong previous evidence for pathogenicity. There are many pathogenic NMD-predicted variants reported in this gene (ClinVar). Additional information: This variant is heterozygous; This gene is associated with both recessive and dominant Alport syndrome (MONDO:0018965), COL4A4-related; No published segregation evidence has been identified for this variant; No published functional evidence has been identified for this variant; Loss of function is a known mechanism of disease for this gene and is associated with Alport syndrome (MONDO:0018965), COL4A4-related. Dominant negative is a suspected mechanism of disease for glycine changes that are part of a Gly-X-Y repeat in the triple helix of a collagen domain (PMIDs: 12028435, 24046192, 38214412); Inheritance information for this variant is not currently available in this individual.

3billion
Classification: Pathogenic for Autosomal recessive Alport syndrome. Last evaluated: 2025-09-28. Review status: criteria provided, single submitter. Criteria: ACMG Guidelines, 2015. Collection method: clinical testing. Allele origin: germline. Affected: yes.
Comment: The variant is observed at an extremely low frequency in the gnomAD v4.1.0 dataset (total allele frequency: <0.001%). Predicted Consequence/Location: Stop-gained (nonsense): predicted to result in a loss or disruption of normal protein function through nonsense-mediated decay (NMD) or protein truncation. Multiple pathogenic variants are reported downstream of the variant. Damaging effect on gene or gene product predicted by in silico programs is uncertain [REVEL: NA (damaging >=0.6, benign <0.4), 3Cnet: 0.98 (damaging >0.75, benign <0.1)]. The variant has been reported at least twice as pathogenic without evidence for the classification (ClinVar ID: VCV000557447 /PMID: 25596306 /3billion dataset). Therefore, this variant is classified as Pathogenic according to the recommendation of ACMG/AMP guideline.

First Genomix Gene Laboratory, Genetic Diagnostics Department
Classification: Pathogenic for Autosomal recessive Alport syndrome. Last evaluated: 2025-06-19. Review status: criteria provided, single submitter. Criteria: ACMG Guidelines, 2015. Collection method: clinical testing. Allele origin: germline. Inheritance: Autosomal recessive inheritance. Affected: no. Observed: 1 variant allele.

Labcorp Genetics (formerly Invitae), Labcorp
Classification: Pathogenic. Last evaluated: 2025-06-17. Review status: criteria provided, single submitter. Criteria: Invitae Variant Classification Sherloc (09022015). Collection method: clinical testing. Allele origin: germline.
Comment: This sequence change creates a premature translational stop signal (p.Gln1323*) in the COL4A4 gene. It is expected to result in an absent or disrupted protein product. Loss-of-function variants in COL4A4 are known to be pathogenic (PMID: 21196518, 24854265, 25307543). This variant is not present in population databases (gnomAD no frequency). This premature translational stop signal has been observed in individual(s) with clinical features of Alport syndrome (PMID: 25596306). ClinVar contains an entry for this variant (Variation ID: 557447). For these reasons, this variant has been classified as Pathogenic.

Natera, Inc.
Classification: Pathogenic for Alport syndrome. Last evaluated: 2024-09-16. Review status: criteria provided, single submitter. Criteria: Natera Variant Classification Schema (03/2026). Collection method: clinical testing. Allele origin: germline.
Comment: The c.3967C>T variant in COL4A4 is a nonsense variant predicted to introduce a stop codon at amino acid 1323. This variant is expected to result in nonsense mediated decay, truncation, or a dysfunctional protein product. This variant is rare in the general population with a frequency below the threshold expected for the associated phenotype(s). This variant has been observed in affected individual(s) with monoallelic occurrence (heterozygous/hemizygous) (PMID: 37248651). Given the available evidence, this variant is classified as Pathogenic.

Fulgent Genetics
Classification: Pathogenic for Hematuria, benign familial, 1; Autosomal recessive Alport syndrome. Last evaluated: 2024-06-18. Review status: criteria provided, single submitter. Criteria: ACMG Guidelines, 2015. Collection method: clinical testing. Allele origin: germline.

Ambry Genetics
Classification: Pathogenic for Inborn genetic diseases. Last evaluated: 2023-09-22. Review status: criteria provided, single submitter. Criteria: Ambry Variant Classification Scheme 2023. Collection method: clinical testing. Allele origin: germline.
Comment: The c.3967C>T (p.Q1323*) alteration, located in exon 41 (coding exon 40) of the COL4A4 gene, consists of a C to T substitution at nucleotide position 3967. This changes the amino acid from a glutamine (Q) to a stop codon at amino acid position 1323. This alteration is expected to result in loss of function by premature protein truncation or nonsense-mediated mRNA decay. This variant was not reported in population-based cohorts in the Genome Aggregation Database (gnomAD). This variant has been reported in the heterozygous state, and in conjunction with another alteration in COL4A4, in individuals with clinical features consistent with COL4A4-related Alport syndrome (Lu, 2022; Xie, 2014). Based on the available evidence, this alteration is classified as pathogenic.

Counsyl
Classification: Likely pathogenic for Autosomal recessive Alport syndrome. Last evaluated: 2018-03-26. Review status: no assertion criteria provided. Collection method: clinical testing. Allele origin: unknown. Not counted in ClinVar's aggregate classification.

Literature cited by the submitters: PubMed 24046192 (cited by Victorian Clinical Genetics Services, Murdoch Childrens Research Institute); PubMed 38214412 (cited by Victorian Clinical Genetics Services, Murdoch Childrens Research Institute); PubMed 12028435 (cited by Victorian Clinical Genetics Services, Murdoch Childrens Research Institute); PubMed 25596306 (cited by 5 submitters); PubMed 21196518 (cited by Labcorp Genetics (formerly Invitae), Labcorp); PubMed 24854265 (cited by Labcorp Genetics (formerly Invitae), Labcorp); PubMed 25307543 (cited by Labcorp Genetics (formerly Invitae), Labcorp); PubMed 37248651 (cited by Natera, Inc.); PubMed 35064937 (cited by Ambry Genetics).

NM_000092.5(COL4A4):c.3967C>T (p.Gln1323Ter)

Gene: COL4A4 (collagen type IV alpha 4 chain; minus strand). Cytogenetic location: 2q36.3.
Variant type: single nucleotide variant.
Coding change: c.3967C>T on transcript NM_000092.5 (MANE Select); coding-DNA position 3967, C replaced by T.
Protein change: p.Gln1323Ter; replaces glutamine 1323 with a stop codon.
Molecular consequence: nonsense.
Genome position (GRCh38, 1-based): chr2:227,030,449, G>A on the plus strand (C>T on the coding strand, the complement: COL4A4 is on the minus strand). VCF-style: chr2-227030449-G-A. GRCh37 (hg19) VCF-style: chr2-227895165-G-A.
Other names: short protein forms Q1323*.
Identifiers: ClinVar variation 557447 (VCV000557447.15), dbSNP rs1489351299, ClinGen allele CA350837171.